The following is an entry in ClinVar:

ClinVar aggregate classification (germline): Benign. Review status: reviewed by expert panel (3 of 4 stars). 25 submissions from 25 submitters: Benign (1). 24 of the submissions do not count toward it. Last evaluated 2015-08-10.

Conditions:
Inherited breast cancer and ovarian cancer.
Breast and/or ovarian cancer. Identifiers: MedGen CN221562.
Hereditary cancer-predisposing syndrome. Also called: Tumor predisposition; Neoplastic Syndromes, Hereditary; Hereditary Cancer Syndrome; Hereditary neoplastic syndrome. Identifiers: Orphanet 140162, MedGen C0027672, MeSH D009386, MONDO:0015356.
Hereditary breast ovarian cancer syndrome. Also called: Hereditary breast and ovarian cancer syndrome (HBOC); Hereditary breast and ovarian cancer syndrome; Hereditary breast and ovarian cancer; Hereditary breast and/or ovarian cancer syndrome; Breast and ovarian cancer; BRCA1- and BRCA2-Associated Hereditary Breast and Ovarian Cancer. Identifiers: Orphanet 145, MedGen C0677776, MeSH D061325, MONDO:0003582. Disease mechanism: loss of function.
Breast-ovarian cancer, familial, susceptibility to, 1 (BROVCA1). Also called: OVARIAN CANCER, SUSCEPTIBILITY TO; BRCA1 Hereditary Breast and Ovarian Cancer. Identifiers: Orphanet 145, MedGen C2676676, MONDO:0011450, OMIM 604370. Disease mechanism: loss of function.
Familial cancer of breast. Also called: Hereditary breast cancer; hereditary breast carcinoma; BREAST CANCER, FAMILIAL. Identifiers: Orphanet 227535, MedGen C0346153, MONDO:0016419, OMIM 114480. Disease mechanism: loss of function.

Allele frequency attached by ClinVar (database versions not stated): 1000 Genomes Project 30x 0.00016; ExAC 0.00017; 1000 Genomes Project 0.00020; gnomAD exomes 0.00021 and 0.00029; TOPMed 0.00026; gnomAD 0.00028.
gnomAD v4.1: 464 of 1,606,792 alleles (0.029%); highest among the groups gnomAD compares: Non-Finnish European, 0.035%; no homozygotes.

Submissions 1 to 20 of 25:

Evidence-based Network for the Interpretation of Germline Mutant Alleles (ENIGMA)
Classification: Benign for Breast-ovarian cancer, familial 1. Last evaluated: 2015-08-10. Review status: reviewed by expert panel. Criteria: ENIGMA BRCA1/2 Classification Criteria (2015). Collection method: curation. Allele origin: germline.
Comment: IARC class based on posterior probability from multifactorial likelihood analysis, thresholds for class as per Plon et al. 2008 (PMID: 18951446). Class 1 based on posterior probability = 0.000000319

Labcorp Genetics (formerly Invitae), Labcorp
Classification: Benign for Hereditary breast ovarian cancer syndrome. Last evaluated: 2026-02-03. Review status: criteria provided, single submitter. Criteria: Invitae Variant Classification Sherloc (09022015). Collection method: clinical testing. Allele origin: germline. Not counted in ClinVar's aggregate classification.

Cambridge Genomics Laboratory, East Genomic Laboratory Hub, NHS Genomic Medicine Service
Classification: Benign for Inherited breast cancer and ovarian cancer. Last evaluated: 2026-01-13. Review status: criteria provided, single submitter. Criteria: ACGS Best Practice Guidelines for Variant Classification in Rare Disease 2020. Collection method: clinical testing. Allele origin: germline. Affected: yes. Not counted in ClinVar's aggregate classification.
Comment: BS1_Strong,BP4,BP5_Very Strong

ARUP Laboratories, Molecular Genetics and Genomics, ARUP Laboratories
Classification: Benign. Last evaluated: 2025-06-12. Review status: criteria provided, single submitter. Criteria: ARUP Molecular Germline Variant Investigation Process 2024. Collection method: clinical testing. Allele origin: germline. Not counted in ClinVar's aggregate classification.

Center for Genomic Medicine, Rigshospitalet, Copenhagen University Hospital
Classification: Benign. Last evaluated: 2025-03-04. Review status: criteria provided, single submitter. Criteria: ACMG Guidelines, 2015. Collection method: clinical testing. Allele origin: germline. Not counted in ClinVar's aggregate classification.

Mayo Clinic Laboratories, Mayo Clinic
Classification: Likely benign. Last evaluated: 2025-01-17. Review status: criteria provided, single submitter. Criteria: ACMG Guidelines, 2015. Collection method: clinical testing. Allele origin: germline. Observed: 2 variant alleles. Not counted in ClinVar's aggregate classification.
Comment: BS1, BP4

Blueprint Genetics
Classification: Likely benign. Last evaluated: 2024-10-18. Review status: criteria provided, single submitter. Criteria: ACMG Guidelines, 2015. Collection method: clinical testing. Allele origin: germline. Not counted in ClinVar's aggregate classification.

KCCC/NGS Laboratory, Kuwait Cancer Control Center
Classification: Benign for Breast-ovarian cancer, familial, susceptibility to, 1. Last evaluated: 2023-07-07. Review status: criteria provided, single submitter. Criteria: ACMG Guidelines, 2015. Collection method: clinical testing. Allele origin: germline. Affected: yes. Not counted in ClinVar's aggregate classification.

CHEO Genetics Diagnostic Laboratory, Children's Hospital of Eastern Ontario
Classification: Likely benign for Breast and/or ovarian cancer. Last evaluated: 2023-03-23. Review status: criteria provided, single submitter. Criteria: ACMG Guidelines, 2015. Collection method: clinical testing. Allele origin: germline. Not counted in ClinVar's aggregate classification.

Centre for Mendelian Genomics, University Medical Centre Ljubljana
Classification: Benign for Familial cancer of breast. Last evaluated: 2019-10-17. Review status: criteria provided, single submitter. Criteria: ACMG Guidelines, 2015. Collection method: clinical testing. Allele origin: unknown. Affected: yes. Not counted in ClinVar's aggregate classification.
Comment: This variant was classified as: Benign. The following ACMG criteria were applied in classifying this variant: BP6,BP4.

PreventionGenetics, part of Exact Sciences
Classification: Benign. Last evaluated: 2017-06-29. Review status: criteria provided, single submitter. Criteria: ACMG Guidelines, 2015. Collection method: clinical testing. Allele origin: germline. Not counted in ClinVar's aggregate classification.

Women's Health and Genetics/Laboratory Corporation of America, LabCorp
Classification: Benign. Last evaluated: 2016-06-07. Review status: criteria provided, single submitter. Criteria: LabCorp Variant Classification Summary - May 2015. Collection method: clinical testing. Allele origin: germline. Not counted in ClinVar's aggregate classification.
Comment: Variant summary: The BRCA1 c.548-17G>T variant causing the alteration of a non-conserved intronic nucleotide with 5/5 in silico programs predicting no significant effect on splicing, which is supported by multiple functional studies. This variant was observed in the large, broad control population, ExAC, with an allele frequency of 20/119928 (1/5995, frequency: 0.0001668), which does not exceed the estimated maximal expected allele frequency for a pathogenic BRCA1 variant of 1/1000 (0.0010005). The variant of interest has been reported in multiple affected individuals via publications with limited information (ie, lack of co-occurrence and cosegregation data). However, the variant has been reported to co-occur with other pathogenic variants, BRCA1, c.2722G>T and BRCA2 variants, c.8237_8238delCA (p.Thr2736SerfsX17), c.2930_2940del and c.1202C>A (p.Ser401X). In addition, multiple publications and reputable databases/clinical laboratories cite the variant as "Benign/Neutral." Therefore, taking all available lines of evidence into consideration, the variant of interest has been classified as Benign.

Color Diagnostics, LLC DBA Color Health
Classification: Benign for Hereditary cancer-predisposing syndrome. Last evaluated: 2015-02-23. Review status: criteria provided, single submitter. Criteria: ACMG Guidelines, 2015. Collection method: clinical testing. Allele origin: germline. Not counted in ClinVar's aggregate classification.

Ambry Genetics
Classification: Benign for Hereditary cancer-predisposing syndrome. Last evaluated: 2014-11-18. Review status: criteria provided, single submitter. Criteria: Ambry Variant Classification Scheme 2023. Collection method: clinical testing. Allele origin: germline. Not counted in ClinVar's aggregate classification.

GeneDx
Classification: Benign. Last evaluated: 2014-02-24. Review status: criteria provided, single submitter. Criteria: GeneDx Variant Classification (06012015). Collection method: clinical testing. Allele origin: germline. Affected: yes. Not counted in ClinVar's aggregate classification.
Comment: This variant is considered likely benign or benign based on one or more of the following criteria: it is a conservative change, it occurs at a poorly conserved position in the protein, it is predicted to be benign by multiple in silico algorithms, and/or has population frequency not consistent with disease.

BRCAlab, Lund University
Classification: Benign for Breast-ovarian cancer, familial, susceptibility to, 1. Last evaluated: 2020-03-02. Review status: no assertion criteria provided. Collection method: clinical testing. Allele origin: germline. Affected: yes. Not counted in ClinVar's aggregate classification.

Department of Medical Genetics, University Hospital of North Norway
Classification: Likely benign for Breast-ovarian cancer, familial, susceptibility to, 1. Last evaluated: 2016-05-01. Review status: no assertion criteria provided. Collection method: clinical testing. Allele origin: germline. Affected: yes. Observed: 1 variant allele. Not counted in ClinVar's aggregate classification.

Counsyl
Classification: Benign for Breast-ovarian cancer, familial, susceptibility to, 1. Last evaluated: 2016-04-06. Review status: no assertion criteria provided. Collection method: clinical testing. Allele origin: unknown. Not counted in ClinVar's aggregate classification.

Sharing Clinical Reports Project (SCRP)
Classification: Benign for Breast-ovarian cancer, familial 1. Last evaluated: 2009-04-17. Review status: no assertion criteria provided. Collection method: clinical testing. Allele origin: germline. Not counted in ClinVar's aggregate classification.

Breast Cancer Information Core (BIC) (BRCA1)
Classification: Uncertain significance for Breast-ovarian cancer, familial 1. Last evaluated: 2002-05-29. Review status: no assertion criteria provided. Collection method: clinical testing. Allele origin: germline. Affected: yes. Observed: 31 variant alleles. Not counted in ClinVar's aggregate classification.

NM_007294.4(BRCA1):c.548-17G>T

Gene: BRCA1 (BRCA1 DNA repair associated; minus strand). Cytogenetic location: 17q21.31.
Variant type: single nucleotide variant.
Coding change: c.548-17G>T on transcript NM_007294.4 (MANE Select); 17 bases into the intron before coding-DNA position 548, G replaced by T.
Molecular consequence: intron variant.
Genome position (GRCh38, 1-based): chr17:43,097,306, C>A on the plus strand (G>T on the coding strand, the complement: BRCA1 is on the minus strand). VCF-style: chr17-43097306-C-A. GRCh37 (hg19) VCF-style: chr17-41249323-C-A.
Other names: p.?; IVS8-17G>T; c.407-17G>T (NM_001408458.1, NM_001408469.1, NM_001408453.1 and 43 more transcripts); c.-218-2446G>T (NM_001407967.1, NM_001407966.1); c.167-17G>T (NM_001407959.1, NM_001408510.1, NM_001407963.1 and 1 more transcripts); c.404-2446G>T (NM_001407931.1, NM_001407932.1, NM_001408503.1 and 5 more transcripts); c.404-17G>T (NM_001407747.1, NM_001408470.1, NM_001407848.1 and 26 more transcripts); c.164-17G>T (NM_001407962.1); and 19 more.
Identifiers: ClinVar variation 37675 (VCV000037675.47), dbSNP rs80358014, ClinGen allele CA003648.